The following is an entry in ClinVar:

ClinVar aggregate classification (germline): Uncertain significance (1 of 4 stars; one submission).

Submission:

Ambry Genetics
Classification: Uncertain significance. Last evaluated: 2025-03-15. Review status: criteria provided, single submitter. Criteria: Ambry Variant Classification Scheme 2023. Collection method: clinical testing. Allele origin: germline.
Comment: The p.H395Y variant (also known as c.1183C>T), located in coding exon 8 of the RNF43 gene, results from a C to T substitution at nucleotide position 1183. The histidine at codon 395 is replaced by tyrosine, an amino acid with similar properties. This amino acid position is conserved. In addition, this alteration is predicted to be tolerated by in silico analysis. Based on the available evidence, the clinical significance of this variant remains unclear.

NM_017763.6(RNF43):c.1183C>T (p.His395Tyr)

Gene: RNF43 (ring finger protein 43; minus strand). Cytogenetic location: 17q22.
Variant type: single nucleotide variant.
Coding change: c.1183C>T on transcript NM_017763.6 (MANE Select); coding-DNA position 1183, C replaced by T.
Protein change: p.His395Tyr; replaces histidine 395 with tyrosine.
Molecular consequence: missense variant.
Genome position (GRCh38, 1-based): chr17:58,358,593, G>A on the plus strand (C>T on the coding strand, the complement: RNF43 is on the minus strand). VCF-style: chr17-58358593-G-A. GRCh37 (hg19) VCF-style: chr17-56435954-G-A.
Other names: c.1183C>T, p.His395Tyr (NM_001305544.3); c.802C>T, p.His268Tyr (NM_001305545.2); short protein forms H268Y, H395Y.
Identifiers: ClinVar variation 3946816 (VCV003946816.1).